The following is an entry in ClinVar:

NM_006766.5(KAT6A):c.1130C>G (p.Ser377Ter)

Gene: KAT6A (lysine acetyltransferase 6A; minus strand). Cytogenetic location: 8p11.21.
Variant type: single nucleotide variant.
Coding change: c.1130C>G on transcript NM_006766.5 (MANE Select); coding-DNA position 1130, C replaced by G.
Protein change: p.Ser377Ter; replaces serine 377 with a stop codon.
Molecular consequence: nonsense.
Genome position (GRCh38, 1-based): chr8:41,977,241, G>C on the plus strand (C>G on the coding strand, the complement: KAT6A is on the minus strand). VCF-style: chr8-41977241-G-C. GRCh37 (hg19) VCF-style: chr8-41834759-G-C.
Other names: c.1130C>G, p.Ser377Ter (NM_001305878.2); short protein forms S377*.
Identifiers: ClinVar variation 2632445 (VCV002632445.1), dbSNP rs2486807516, ClinGen allele CA371076286.

ClinVar aggregate classification (germline): Likely pathogenic (1 of 4 stars; one submission).

Conditions:
KAT6A-related disorder. Also called: KAT6A-related condition.

Submission:

PreventionGenetics, part of Exact Sciences
Classification: Likely pathogenic for KAT6A-related condition. Last evaluated: 2023-07-02. Review status: criteria provided, single submitter. Criteria: ACMG Guidelines, 2015. Collection method: clinical testing. Allele origin: germline.
Comment: The KAT6A c.1130C>G variant is predicted to result in premature protein termination (p.Ser377*). To our knowledge, this variant has not been reported in the literature or in a large population database, indicating this variant is rare. Nonsense variants in KAT6A are expected to be pathogenic. This variant is interpreted as likely pathogenic.